The following is an entry in ClinVar:

NM_021815.5(SLC5A7):c.949G>T (p.Asp317Tyr)

Gene: SLC5A7 (solute carrier family 5 member 7; plus strand). Cytogenetic location: 2q12.3.
Variant type: single nucleotide variant.
Coding change: c.949G>T on transcript NM_021815.5 (MANE Select); coding-DNA position 949, G replaced by T.
Protein change: p.Asp317Tyr; replaces aspartic acid 317 with tyrosine.
Molecular consequence: missense variant.
Genome position (GRCh38, 1-based): chr2:108,008,518, G>T. VCF-style: chr2-108008518-G-T. GRCh37 (hg19) VCF-style: chr2-108624974-G-T.
Other names: c.949G>T, p.Asp317Tyr (NM_001305005.3); c.634G>T, p.Asp212Tyr (NM_001305006.3); c.208G>T, p.Asp70Tyr (NM_001305007.3); short protein forms D70Y, D212Y, D317Y.
Identifiers: ClinVar variation 1034682 (VCV001034682.1), dbSNP rs1678201892, ClinGen allele CA348113495.
Genomic context (GRCh38, chr2:108,008,518, plus strand): 5'-TCAACAGACTGGAACCAGACTGCATATGGGCTTCCAGATCCCAAGACTACAGAAGAGGCA[G>T]ACATGATTTTACCAATTGTTCTGCAGTATCTCTGCCCTGTGTATATTTCTTTCTTTGGTC-3'
Protein context (NP_068587.1, residues 307-327): LPDPKTTEEA[Asp317Tyr]MILPIVLQYL

ClinVar aggregate classification (germline): Uncertain significance (1 of 4 stars; one submission).

Conditions:
Congenital myasthenic syndrome 20. Also called: Myasthenic syndrome, congenital, 20, presynaptic. Identifiers: MedGen C4310694, MONDO:0014939, OMIM 617143.
Neuronopathy, distal hereditary motor, type 7A. Also called: HARPER-YOUNG MYOPATHY; HMN VIIA; SPINAL MUSCULAR ATROPHY, DISTAL, WITH VOCAL CORD PARALYSIS; NEURONOPATHY, DISTAL HEREDITARY MOTOR, HARDING TYPE VIIA; NEUROPATHY, DISTAL HEREDITARY MOTOR, HARDING TYPE VIIA; Neuronopathy, distal hereditary motor, type viia. Identifiers: Orphanet 139589, MedGen C1834703, MONDO:0008024, OMIM 158580.

Submission:

Labcorp Genetics (formerly Invitae), Labcorp
Classification: Uncertain significance for Neuronopathy, distal hereditary motor, type 7A; Congenital myasthenic syndrome 20. Last evaluated: 2020-06-26. Review status: criteria provided, single submitter. Criteria: Invitae Variant Classification Sherloc (09022015). Collection method: clinical testing. Allele origin: germline.
Comment: This sequence change replaces aspartic acid with tyrosine at codon 317 of the SLC5A7 protein (p.Asp317Tyr). The aspartic acid residue is highly conserved and there is a large physicochemical difference between aspartic acid and tyrosine. This variant is not present in population databases (ExAC no frequency). This variant has not been reported in the literature in individuals with SLC5A7-related conditions. Algorithms developed to predict the effect of missense changes on protein structure and function (SIFT, PolyPhen-2, Align-GVGD) all suggest that this variant is likely to be disruptive, but these predictions have not been confirmed by published functional studies and their clinical significance is uncertain. In summary, the available evidence is currently insufficient to determine the role of this variant in disease. Therefore, it has been classified as a Variant of Uncertain Significance.